The following is an entry in ClinVar:

ClinVar aggregate classification (germline): Uncertain significance. Review status: criteria provided, multiple submitters, no conflicts (2 of 4 stars). 4 submissions from 4 submitters: Uncertain significance (4). Last evaluated 2024-12-04.

Conditions:
Inborn genetic diseases. Identifiers: MedGen C0950123, MeSH D030342.
Sucrase-isomaltase deficiency (CSID). Also called: Deficiency of isomaltase; Congenital sucrose isomaltose malabsorption; Sucrose isomaltose enzyme deficiency; SI DEFICIENCY. Identifiers: Orphanet 35122, MedGen C1283620, MONDO:0009114, OMIM 222900.

Allele frequency attached by ClinVar (database versions not stated): gnomAD 0.00003 and 0.00004; gnomAD exomes 0.00004; ExAC 0.00006.
gnomAD v4.1: 64 of 1,589,150 alleles (0.004%); highest among the groups gnomAD compares: South Asian, 0.014%; no homozygotes.

Submissions (4):

Ambry Genetics
Classification: Uncertain significance for Inborn genetic diseases. Last evaluated: 2024-12-04. Review status: criteria provided, single submitter. Criteria: Ambry Variant Classification Scheme 2023. Collection method: clinical testing. Allele origin: germline.

Fulgent Genetics
Classification: Uncertain significance for Sucrase-isomaltase deficiency. Last evaluated: 2024-01-24. Review status: criteria provided, single submitter. Criteria: ACMG Guidelines, 2015. Collection method: clinical testing. Allele origin: germline.

GeneDx
Classification: Uncertain significance. Last evaluated: 2022-11-28. Review status: criteria provided, single submitter. Criteria: GeneDx Variant Classification Process June 2021. Collection method: clinical testing. Allele origin: germline. Affected: yes.
Comment: Has not been previously published as pathogenic or benign to our knowledge; In silico analysis supports that this missense variant has a deleterious effect on protein structure/function

Labcorp Genetics (formerly Invitae), Labcorp
Classification: Uncertain significance. Last evaluated: 2022-06-18. Review status: criteria provided, single submitter. Criteria: Invitae Variant Classification Sherloc (09022015). Collection method: clinical testing. Allele origin: germline.
Comment: This sequence change replaces arginine, which is basic and polar, with histidine, which is basic and polar, at codon 232 of the SI protein (p.Arg232His). This variant is present in population databases (rs747345955, gnomAD 0.02%). This variant has not been reported in the literature in individuals affected with SI-related conditions. Advanced modeling of protein sequence and biophysical properties (such as structural, functional, and spatial information, amino acid conservation, physicochemical variation, residue mobility, and thermodynamic stability) performed at Invitae indicates that this missense variant is not expected to disrupt SI protein function. In summary, the available evidence is currently insufficient to determine the role of this variant in disease. Therefore, it has been classified as a Variant of Uncertain Significance.

NM_001041.4(SI):c.695G>A (p.Arg232His)

Gene: SI (sucrase-isomaltase; minus strand). Cytogenetic location: 3q26.1.
Variant type: single nucleotide variant.
Coding change: c.695G>A on transcript NM_001041.4 (MANE Select); coding-DNA position 695, G replaced by A.
Protein change: p.Arg232His; replaces arginine 232 with histidine.
Molecular consequence: missense variant.
Genome position (GRCh38, 1-based): chr3:165,065,373, C>T on the plus strand (G>A on the coding strand, the complement: SI is on the minus strand). VCF-style: chr3-165065373-C-T. GRCh37 (hg19) VCF-style: chr3-164783161-C-T.
Other names: c.695G>A (NM_001041.3); short protein forms R232H.
Identifiers: ClinVar variation 1391599 (VCV001391599.6), dbSNP rs747345955, ClinGen allele CA2691352.